The following is an entry in ClinVar:

ClinVar aggregate classification (germline): Pathogenic (1 of 4 stars; one submission).

Conditions:
Severe myoclonic epilepsy in infancy (DRVT). Also called: Epileptic encephalopathy, early infantile, 6 (Dravet syndrome); SEVERE MYOCLONIC EPILEPSY OF INFANCY; DEVELOPMENTAL AND EPILEPTIC ENCEPHALOPATHY 6A; Severe Myoclonic Epilepsy in Infancy (SMEI); Dravet syndrome. Identifiers: Orphanet 33069, MedGen C0751122, MONDO:0100135, OMIM 607208.

Submission:

Center for Bioinformatics, Peking University
Classification: Pathogenic for Dravet syndrome. Last evaluated: 2014-12-20. Review status: criteria provided, single submitter. Criteria: Xu et al. (Hum Mutat. 2015). Collection method: research. Allele origin: de novo. Affected: yes. Observed: 1 variant allele. Study: University Clinical Cooperation “985 Project” PKU-2014-1-1.
Comment: Dravet syndrome (DS) probands were recruited from the outpatient and inpatient child neurology units of Peking University First Hospital from 2005 till present. The study was approved by the Ethics Committee of Peking University First Hospital and the Institutional Review Board at Peking University. Participants or their parents provided written informed consent before enrollment. We collected a total of 267 mutations from 255 families with probands diagnosed with DS in China. All probands fulfilled the clinical diagnostic criteria.

NM_001165963.4(SCN1A):c.1804G>T (p.Glu602Ter)

Gene: SCN1A (sodium voltage-gated channel alpha subunit 1; minus strand). Cytogenetic location: 2q24.3.
Variant type: single nucleotide variant.
Coding change: c.1804G>T on transcript NM_001165963.4 (MANE Select); coding-DNA position 1804, G replaced by T.
Protein change: p.Glu602Ter; replaces glutamic acid 602 with a stop codon.
Molecular consequence: nonsense. On other transcripts: 5 prime UTR variant (1), non-coding transcript variant (1).
Genome position (GRCh38, 1-based): chr2:166,043,908, C>A on the plus strand (G>T on the coding strand, the complement: SCN1A is on the minus strand). VCF-style: chr2-166043908-C-A. GRCh37 (hg19) VCF-style: chr2-166900418-C-A.
Other names: c.1804G>T, p.Glu602Ter (NM_001165964.3, NM_001202435.3, NM_001353948.2 and 7 more transcripts); c.1801G>T, p.Glu601Ter (NM_001353954.2, NM_001353955.2, NM_001353960.2); c.-622G>T (NM_001353961.2); short protein forms E602*, E601*.
Identifiers: ClinVar variation 190006 (VCV000190006.1), dbSNP rs794726834, ClinGen allele CA303531.